The following is an entry in ClinVar:

ClinVar aggregate classification (germline): Conflicting classifications of pathogenicity. Review status: criteria provided, conflicting classifications (1 of 4 stars). 3 submissions from 3 submitters: Pathogenic (1); Uncertain significance (2). Last evaluated 2024-01-22.

Conditions:
FAM111A-related disorder. Also called: FAM111A-related condition.

Allele frequency attached by ClinVar (database versions not stated): gnomAD exomes 0.00001; ExAC 0.00002; TOPMed 0.00002; gnomAD 0.00003.
gnomAD v4.1: 22 of 1,614,044 alleles (0.0014%); highest among the groups gnomAD compares: Non-Finnish European, 0.0018%; no homozygotes.

Submissions (3):

Labcorp Genetics (formerly Invitae), Labcorp
Classification: Uncertain significance. Last evaluated: 2024-01-22. Review status: criteria provided, single submitter. Criteria: Invitae Variant Classification Sherloc (09022015). Collection method: clinical testing. Allele origin: germline.
Comment: This sequence change creates a premature translational stop signal (p.Gln122*) in the FAM111A gene. While this is not anticipated to result in nonsense mediated decay, it is expected to disrupt the last 490 amino acid(s) of the FAM111A protein. This variant is present in population databases (no rsID available, gnomAD 0.004%). This variant has not been reported in the literature in individuals affected with FAM111A-related conditions. ClinVar contains an entry for this variant (Variation ID: 1708456). In summary, the available evidence is currently insufficient to determine the role of this variant in disease. Therefore, it has been classified as a Variant of Uncertain Significance.

PreventionGenetics, part of Exact Sciences
Classification: Uncertain significance for FAM111A-related condition. Last evaluated: 2022-11-21. Review status: criteria provided, single submitter. Criteria: ACMG Guidelines, 2015. Collection method: clinical testing. Allele origin: germline.
Comment: The FAM111A c.364C>T variant is predicted to result in premature protein termination (p.Gln122*). To our knowledge, this variant has not been reported in the literature. This variant is reported in 0.0039% of alleles in individuals of European (Non-Finnish) descent in gnomAD. At this time, the clinical significance of this variant is uncertain due to the absence of conclusive functional and genetic evidence.

Centre of Medical Genetics, University Hospital Muenster
Classification: Pathogenic. Last evaluated: 2021-12-15. Review status: criteria provided, single submitter. Criteria: ACMG Guidelines, 2015. Collection method: clinical testing. Allele origin: unknown. Affected: yes. Observed: 1 variant allele, 1 heterozygote.
Comment: ACMG categories: PVS1,PM2,PP3

NM_001312909.2(FAM111A):c.364C>T (p.Gln122Ter)

Gene: FAM111A (FAM111 trypsin like peptidase A; plus strand). Cytogenetic location: 11q12.1.
Variant type: single nucleotide variant.
Coding change: c.364C>T on transcript NM_001312909.2 (MANE Select); coding-DNA position 364, C replaced by T.
Protein change: p.Gln122Ter; replaces glutamine 122 with a stop codon.
Molecular consequence: nonsense.
Genome position (GRCh38, 1-based): chr11:59,152,032, C>T. VCF-style: chr11-59152032-C-T. GRCh37 (hg19) VCF-style: chr11-58919505-C-T.
Other names: c.364C>T (NM_022074.3); c.364C>T, p.Gln122Ter (NM_001142519.3, NM_001142520.3, NM_001142521.3 and 29 more transcripts); short protein forms Q122*.
Identifiers: ClinVar variation 1708456 (VCV001708456.7), dbSNP rs1298422871, ClinGen allele CA6016562.